The following is an entry in ClinVar:

ClinVar aggregate classification (germline): Uncertain significance. Review status: criteria provided, multiple submitters, no conflicts (2 of 4 stars). 3 submissions from 3 submitters: Uncertain significance (2). 1 of the submissions does not count toward it. Last evaluated 2023-10-10.

Conditions:
Nemaline myopathy 2 (NEM2). Also called: Nemaline myopathy 2, autosomal recessive. Identifiers: MedGen C1850569, MONDO:0009725, OMIM 256030.
Inborn genetic diseases. Identifiers: MedGen C0950123, MeSH D030342.

Allele frequency attached by ClinVar (database versions not stated): gnomAD exomes below 0.00001; gnomAD 0.00001; TOPMed 0.00001.
gnomAD v4.1: 3 of 1,613,158 alleles (0.00019%); highest among the groups gnomAD compares: Non-Finnish European, 0.00025%; no homozygotes.

Submissions (3):

Ambry Genetics
Classification: Uncertain significance for Inborn genetic diseases. Last evaluated: 2023-10-10. Review status: criteria provided, single submitter. Criteria: Ambry Variant Classification Scheme 2023. Collection method: clinical testing. Allele origin: germline.

Labcorp Genetics (formerly Invitae), Labcorp
Classification: Uncertain significance for Nemaline myopathy 2. Last evaluated: 2022-02-05. Review status: criteria provided, single submitter. Criteria: Invitae Variant Classification Sherloc (09022015). Collection method: clinical testing. Allele origin: germline.
Comment: This sequence change replaces glutamic acid, which is acidic and polar, with valine, which is neutral and non-polar, at codon 970 of the NEB protein (p.Glu970Val). This variant is not present in population databases (gnomAD no frequency). This variant has not been reported in the literature in individuals affected with NEB-related conditions. ClinVar contains an entry for this variant (Variation ID: 844589). Algorithms developed to predict the effect of missense changes on protein structure and function are either unavailable or do not agree on the potential impact of this missense change (SIFT: "Deleterious"; PolyPhen-2: "Not Available"; Align-GVGD: "Class C0"). Algorithms developed to predict the effect of sequence changes on RNA splicing suggest that this variant may create or strengthen a splice site. In summary, the available evidence is currently insufficient to determine the role of this variant in disease. Therefore, it has been classified as a Variant of Uncertain Significance.

Natera, Inc.
Classification: Uncertain significance for Nemaline myopathy type 2. Last evaluated: 2020-07-10. Review status: no assertion criteria provided. Collection method: clinical testing. Allele origin: germline. Not counted in ClinVar's aggregate classification.

NM_001164508.2(NEB):c.2909A>T (p.Glu970Val)

Gene: NEB (nebulin; minus strand). Cytogenetic location: 2q23.3.
Variant type: single nucleotide variant.
Coding change: c.2909A>T on transcript NM_001164508.2 (MANE Select); coding-DNA position 2909, A replaced by T.
Protein change: p.Glu970Val; replaces glutamic acid 970 with valine.
Molecular consequence: missense variant.
Genome position (GRCh38, 1-based): chr2:151,682,696, T>A on the plus strand (A>T on the coding strand, the complement: NEB is on the minus strand). VCF-style: chr2-151682696-T-A. GRCh37 (hg19) VCF-style: chr2-152539210-T-A.
Other names: c.2909A>T, p.Glu970Val (NM_001164507.2, NM_001271208.2, NM_004543.5); c.2909A>T (NM_004543.4); short protein forms E970V.
Identifiers: ClinVar variation 844589 (VCV000844589.8), dbSNP rs1337927808, ClinGen allele CA348821446.